The following is an entry in ClinVar:

NM_022489.4(INF2):c.322G>T (p.Val108Phe)

Gene: INF2 (inverted formin 2; plus strand). Cytogenetic location: 14q32.33.
Variant type: single nucleotide variant.
Coding change: c.322G>T on transcript NM_022489.4 (MANE Select); coding-DNA position 322, G replaced by T.
Protein change: p.Val108Phe; replaces valine 108 with phenylalanine.
Molecular consequence: missense variant. On other transcripts: non-coding transcript variant (1).
Genome position (GRCh38, 1-based): chr14:104,701,687, G>T. VCF-style: chr14-104701687-G-T. GRCh37 (hg19) VCF-style: chr14-105168024-G-T.
Other names: c.322G>T, p.Val108Phe (NM_001031714.4, NM_001426862.1, NM_001426863.1 and 6 more transcripts); short protein forms V108F.
Identifiers: ClinVar variation 3376691 (VCV003376691.1).
Genomic context (GRCh38, chr14:104,701,687, plus strand): 5'-GGCGTTGCACGTATCTCCGACGCCCTGCTGCAGCTCACCTGCGTCAGCTGCGTGCGCGCC[G>T]TCATGAACTCGCGGCAGGGCATCGAGTACATCCTCAGCAACCAGGGCTACGTGCGCCAGC-3'
Protein context (NP_071934.3, residues 98-118): QLTCVSCVRA[Val108Phe]MNSRQGIEYI

ClinVar aggregate classification (germline): Uncertain significance (1 of 4 stars; one submission).

Conditions:
Focal segmental glomerulosclerosis 5 (FSGS5). Identifiers: Orphanet 656, MedGen C2750475, MONDO:0013191, OMIM 613237.

gnomAD v4.1: 1 of 1,571,772 alleles (0.000064%); highest among the groups gnomAD compares: Non-Finnish European, 0.000086%; no homozygotes.

Submission:

Victorian Clinical Genetics Services, Murdoch Childrens Research Institute
Classification: Uncertain significance for Focal segmental glomerulosclerosis 5. Last evaluated: 2024-10-09. Review status: criteria provided, single submitter. Criteria: ACMG Guidelines, 2015. Collection method: clinical testing. Allele origin: germline. Inheritance: Autosomal dominant inheritance. Affected: yes.
Comment: Based on the classification scheme VCGS_Germline_v1.3.4, this variant is classified as VUS-3A. Following criteria are met: 0105 - The mechanism of disease for this gene is not clearly established. However, both loss of function and gain of function have been suggested (PMID: 32451589). (I) 0107 - This gene is associated with autosomal dominant disease. (I) 0112 - The condition associated with this gene has incomplete penetrance (PMID: 32451589). (I) 0115 - Variants in this gene are known to have variable expressivity, with interfamilial and intrafamilial phenotypic variabilities described (PMID: 32451589). (I) 0200 - Variant is predicted to result in a missense amino acid change from valine to phenylalanine. (I) 0251 - This variant is heterozygous. (I) 0301 - Variant is absent from gnomAD (both v2 and v3). (SP) 0502 - Missense variant with conflicting in silico predictions and uninformative conservation. (I) 0600 - Variant is located in the annotated diaphanous GTPase-binding domain (DECIPHER). (I) 0704 - Another missense variant comparable to the one identified in this case has limited previous evidence for pathogenicity. p.(Val108Asp) has been reported in one heterozygous individual with Charcot-Marie-Tooth disease associated with focal segmental glomerulosclerosis (PMID: 23521651) and one de novo heterozygous individual (DECIPHER). (SP) 0807 - This variant has no previous evidence of pathogenicity. (I) 0905 - No published segregation evidence has been identified for this variant. (I) 1007 - No published functional evidence has been identified for this variant. (I) 1208 - Inheritance information for this variant is not currently available in this individual. (I) Legend: (SP) - Supporting pathogenic, (I) - Information, (SB) - Supporting benign

Literature cited by the submitters: PubMed 23521651; PubMed 32451589.